The following is an entry in ClinVar:

NM_004655.4(AXIN2):c.104C>T (p.Pro35Leu)

Gene: AXIN2 (axin 2; minus strand). Cytogenetic location: 17q24.1.
Variant type: single nucleotide variant.
Coding change: c.104C>T on transcript NM_004655.4 (MANE Select); coding-DNA position 104, C replaced by T.
Protein change: p.Pro35Leu; replaces proline 35 with leucine.
Molecular consequence: missense variant.
Genome position (GRCh38, 1-based): chr17:65,558,517, G>A on the plus strand (C>T on the coding strand, the complement: AXIN2 is on the minus strand). VCF-style: chr17-65558517-G-A. GRCh37 (hg19) VCF-style: chr17-63554635-G-A.
Other names: c.104C>T, p.Pro35Leu (NM_001363813.1); short protein forms P35L.
Identifiers: ClinVar variation 1776613 (VCV001776613.3), dbSNP rs748495558, ClinGen allele CA8719102.

ClinVar aggregate classification (germline): Uncertain significance (1 of 4 stars; one submission).

Conditions:
Hereditary cancer-predisposing syndrome. Also called: Neoplastic Syndromes, Hereditary; Tumor predisposition; Hereditary Cancer Syndrome; Hereditary neoplastic syndrome. Identifiers: Orphanet 140162, MedGen C0027672, MeSH D009386, MONDO:0015356.

Allele frequency attached by ClinVar (database versions not stated): gnomAD exomes below 0.00001; ExAC 0.00001.
gnomAD v4.1: 1 of 1,613,738 alleles (0.000062%); highest among the groups gnomAD compares: South Asian, 0.0011%; no homozygotes.

Submission:

Ambry Genetics
Classification: Uncertain significance for Hereditary cancer-predisposing syndrome. Last evaluated: 2025-07-14. Review status: criteria provided, single submitter. Criteria: Ambry Variant Classification Scheme 2023. Collection method: clinical testing. Allele origin: germline.
Comment: The p.P35L variant (also known as c.104C>T), located in coding exon 1 of the AXIN2 gene, results from a C to T substitution at nucleotide position 104. The proline at codon 35 is replaced by leucine, an amino acid with similar properties. This amino acid position is not well conserved in available vertebrate species. In addition, this alteration is predicted to be tolerated by in silico analysis. Since supporting evidence is limited at this time, the clinical significance of this alteration remains unclear.